The following is an entry in ClinVar:

ClinVar aggregate classification (germline): Benign. Review status: criteria provided, multiple submitters, no conflicts (2 of 4 stars). 2 submissions from 2 submitters: Benign (2). Last evaluated 2018-06-14.

Allele frequency attached by ClinVar (database versions not stated): gnomAD 0.31617 and 0.32398; TOPMed 0.32393; gnomAD exomes 0.34058; 1000 Genomes Project 30x 0.38663; 1000 Genomes Project 0.39137.

Submissions (2):

GeneDx
Classification: Benign. Last evaluated: 2018-06-14. Review status: criteria provided, single submitter. Criteria: GeneDx Variant Classification (06012015). Collection method: clinical testing. Allele origin: germline. Affected: yes.
Comment: This variant is considered likely benign or benign based on one or more of the following criteria: it is a conservative change, it occurs at a poorly conserved position in the protein, it is predicted to be benign by multiple in silico algorithms, and/or has population frequency not consistent with disease.

Breakthrough Genomics
Classification: Benign. Review status: criteria provided, single submitter. Criteria: ACMG Guidelines, 2015. Collection method: not provided. Allele origin: germline. Inheritance: Autosomal recessive inheritance. Affected: yes.

NM_001848.3(COL6A1):c.2465-72C>T

Gene: COL6A1 (collagen type VI alpha 1 chain; plus strand). Cytogenetic location: 21q22.3.
Variant type: single nucleotide variant.
Coding change: c.2465-72C>T on transcript NM_001848.3 (MANE Select); 72 bases into the intron before coding-DNA position 2465, C replaced by T.
Molecular consequence: intron variant.
Genome position (GRCh38, 1-based): chr21:46,003,319, C>T. VCF-style: chr21-46003319-C-T. GRCh37 (hg19) VCF-style: chr21-47423233-C-T.
Identifiers: ClinVar variation 679203 (VCV000679203.2), dbSNP rs59769541, ClinGen allele CA14875392.